The following is an entry in ClinVar:

ClinVar aggregate classification (germline): Pathogenic (1 of 4 stars; one submission).

Conditions:
Purine-nucleoside phosphorylase deficiency. Also called: Immunodeficiency due to purine nucleoside phosphorylase deficiency; NUCLEOSIDE PHOSPHORYLASE DEFICIENCY. Identifiers: Orphanet 760, MedGen C0268125, MONDO:0013171, OMIM 613179.

Allele frequency attached by ClinVar (database versions not stated): gnomAD 0.00001.
gnomAD v4.1: 5 of 1,614,098 alleles (0.00031%); highest among the groups gnomAD compares: South Asian, 0.0044%; no homozygotes.

Submission:

Labcorp Genetics (formerly Invitae), Labcorp
Classification: Pathogenic for Purine-nucleoside phosphorylase deficiency. Last evaluated: 2025-10-06. Review status: criteria provided, single submitter. Criteria: Invitae Variant Classification Sherloc (09022015). Collection method: clinical testing. Allele origin: germline.
Comment: This sequence change replaces glycine, which is neutral and non-polar, with valine, which is neutral and non-polar, at codon 190 of the PNP protein (p.Gly190Val). This variant is present in population databases (no rsID available, gnomAD 0.003%). This missense change has been observed in individual(s) with clinical features of purine nucleoside phosphorylase deficiency and/or purine nucleoside phosphorylase deficiency (PMID: 9067751, 22132981, 38431953; internal data). In at least one individual the data is consistent with being in trans (on the opposite chromosome) from a pathogenic variant. ClinVar contains an entry for this variant (Variation ID: 2736067). Invitae Evidence Modeling of protein sequence and biophysical properties (such as structural, functional, and spatial information, amino acid conservation, physicochemical variation, residue mobility, and thermodynamic stability) has been performed for this missense variant. However, the output from this modeling did not meet the statistical confidence thresholds required to predict the impact of this variant on PNP protein function. For these reasons, this variant has been classified as Pathogenic.

Literature cited by the submitters: PubMed 9067751; PubMed 22132981; PubMed 38431953.

NM_000270.4(PNP):c.569G>T (p.Gly190Val)

Gene: PNP (purine nucleoside phosphorylase; plus strand). Cytogenetic location: 14q11.2.
Variant type: single nucleotide variant.
Coding change: c.569G>T on transcript NM_000270.4 (MANE Select); coding-DNA position 569, G replaced by T.
Protein change: p.Gly190Val; replaces glycine 190 with valine.
Molecular consequence: missense variant.
Genome position (GRCh38, 1-based): chr14:20,475,169, G>T. VCF-style: chr14-20475169-G-T. GRCh37 (hg19) VCF-style: chr14-20943328-G-T.
Other names: short protein forms G190V.
Identifiers: ClinVar variation 2736067 (VCV002736067.3), dbSNP rs772212348, ClinGen allele CA389145686.